The following is an entry in ClinVar:

ClinVar aggregate classification (germline): Uncertain significance (1 of 4 stars; one submission).

Conditions:
Familial melanoma. Also called: Hereditary melanoma; Hereditary cutaneous melanoma. Identifiers: Orphanet 618, MedGen C1512419, MONDO:0018961.

Allele frequency attached by ClinVar (database versions not stated): ExAC 0.00001.
gnomAD v4.1: 1 of 1,614,168 alleles (0.000062%); highest among the groups gnomAD compares: Non-Finnish European, 0.000085%; no homozygotes.

Submission:

Labcorp Genetics (formerly Invitae), Labcorp
Classification: Uncertain significance for Familial melanoma. Last evaluated: 2022-06-14. Review status: criteria provided, single submitter. Criteria: Invitae Variant Classification Sherloc (09022015). Collection method: clinical testing. Allele origin: germline.
Comment: In summary, the available evidence is currently insufficient to determine the role of this variant in disease. Therefore, it has been classified as a Variant of Uncertain Significance. This sequence change replaces phenylalanine, which is neutral and non-polar, with leucine, which is neutral and non-polar, at codon 214 of the CDK4 protein (p.Phe214Leu). This variant is present in population databases (rs755091270, gnomAD 0.0009%). This variant has not been reported in the literature in individuals affected with CDK4-related conditions. Advanced modeling of protein sequence and biophysical properties (such as structural, functional, and spatial information, amino acid conservation, physicochemical variation, residue mobility, and thermodynamic stability) performed at Invitae indicates that this missense variant is expected to disrupt CDK4 protein function.

NM_000075.4(CDK4):c.642C>G (p.Phe214Leu)

Genes: CDK4 (cyclin dependent kinase 4; minus strand), TSPAN31 (tetraspanin 31; plus strand). Cytogenetic location: 12q14.1.
Variant type: single nucleotide variant.
Coding change: c.642C>G on transcript NM_000075.4 (MANE Select); coding-DNA position 642, C replaced by G.
Protein change: p.Phe214Leu; replaces phenylalanine 214 with leucine.
Molecular consequence: missense variant. On other transcripts: 3 prime UTR variant (3).
Genome position (GRCh38, 1-based): chr12:57,749,495, G>C on the plus strand (C>G on the coding strand, the complement: CDK4 is on the minus strand). VCF-style: chr12-57749495-G-C. GRCh37 (hg19) VCF-style: chr12-58143278-G-C.
Other names: c.*2205G>C (NM_001330168.2, NM_001330169.2, NM_005981.5); short protein forms F214L.
Identifiers: ClinVar variation 2005640 (VCV002005640.4), dbSNP rs755091270, ClinGen allele CA6657728.